The following is an entry in ClinVar:

ClinVar aggregate classification (germline): Uncertain significance. Review status: criteria provided, multiple submitters, no conflicts (2 of 4 stars). 2 submissions from 2 submitters: Uncertain significance (2). Last evaluated 2025-11-17.

Conditions:
Hereditary cancer-predisposing syndrome. Also called: Tumor predisposition; Neoplastic Syndromes, Hereditary; Hereditary Cancer Syndrome; Hereditary neoplastic syndrome. Identifiers: Orphanet 140162, MedGen C0027672, MeSH D009386, MONDO:0015356.
Multiple endocrine neoplasia type 4. Also called: MULTIPLE ENDOCRINE NEOPLASIA, TYPE IV. Identifiers: Orphanet 276152, MedGen C1970712, MONDO:0012552, OMIM 610755.

gnomAD v4.1: 3 of 1,613,892 alleles (0.00019%); highest among the groups gnomAD compares: African/African-American, 0.0013%; no homozygotes.

Submissions (2):

Ambry Genetics
Classification: Uncertain significance for Hereditary cancer-predisposing syndrome. Last evaluated: 2025-11-17. Review status: criteria provided, single submitter. Criteria: Ambry Variant Classification Scheme 2023. Collection method: clinical testing. Allele origin: germline.
Comment: The p.T198K variant (also known as c.593C>A), located in coding exon 2 of the CDKN1B gene, results from a C to A substitution at nucleotide position 593. The threonine at codon 198 is replaced by lysine, an amino acid with similar properties. This amino acid position is conserved. In addition, this alteration is predicted to be deleterious by in silico analysis. Since supporting evidence is limited at this time, the clinical significance of this alteration remains unclear.

Labcorp Genetics (formerly Invitae), Labcorp
Classification: Uncertain significance for Multiple endocrine neoplasia type 4. Last evaluated: 2024-07-21. Review status: criteria provided, single submitter. Criteria: Invitae Variant Classification Sherloc (09022015). Collection method: clinical testing. Allele origin: germline.
Comment: This sequence change replaces threonine, which is neutral and polar, with lysine, which is basic and polar, at codon 198 of the CDKN1B protein (p.Thr198Lys). This variant is not present in population databases (gnomAD no frequency). This variant has not been reported in the literature in individuals affected with CDKN1B-related conditions. ClinVar contains an entry for this variant (Variation ID: 2585900). An algorithm developed to predict the effect of missense changes on protein structure and function (PolyPhen-2) suggests that this variant is likely to be disruptive. In summary, the available evidence is currently insufficient to determine the role of this variant in disease. Therefore, it has been classified as a Variant of Uncertain Significance.

NM_004064.5(CDKN1B):c.593C>A (p.Thr198Lys)

Gene: CDKN1B (cyclin dependent kinase inhibitor 1B; plus strand). Cytogenetic location: 12p13.1.
Variant type: single nucleotide variant.
Coding change: c.593C>A on transcript NM_004064.5 (MANE Select); coding-DNA position 593, C replaced by A.
Protein change: p.Thr198Lys; replaces threonine 198 with lysine.
Molecular consequence: missense variant.
Genome position (GRCh38, 1-based): chr12:12,718,942, C>A. VCF-style: chr12-12718942-C-A. GRCh37 (hg19) VCF-style: chr12-12871876-C-A.
Other names: short protein forms T198K.
Identifiers: ClinVar variation 2585900 (VCV002585900.5), dbSNP rs1197510010, ClinGen allele CA383973239.